The following is an entry in ClinVar:

ClinVar aggregate classification (germline): Uncertain significance (1 of 4 stars; one submission).

gnomAD v4.1: 1 of 1,613,582 alleles (0.000062%); highest among the groups gnomAD compares: Non-Finnish European, 0.000085%; no homozygotes.

Submission:

GeneDx
Classification: Uncertain significance. Last evaluated: 2025-02-12. Review status: criteria provided, single submitter. Criteria: GeneDx Variant Classification Process June 2021. Collection method: clinical testing. Allele origin: germline. Affected: yes.
Comment: Not observed at significant frequency in large population cohorts (gnomAD); In silico analysis supports that this missense variant has a deleterious effect on protein structure/function; Has not been previously published as pathogenic or benign to our knowledge

NM_006160.4(NEUROD2):c.1049G>A (p.Arg350His)

Gene: NEUROD2 (neuronal differentiation 2; minus strand). Cytogenetic location: 17q12.
Variant type: single nucleotide variant.
Coding change: c.1049G>A on transcript NM_006160.4 (MANE Select); coding-DNA position 1049, G replaced by A.
Protein change: p.Arg350His; replaces arginine 350 with histidine.
Molecular consequence: missense variant.
Genome position (GRCh38, 1-based): chr17:39,605,551, C>T on the plus strand (G>A on the coding strand, the complement: NEUROD2 is on the minus strand). VCF-style: chr17-39605551-C-T. GRCh37 (hg19) VCF-style: chr17-37761804-C-T.
Other names: short protein forms R350H.
Identifiers: ClinVar variation 4075617 (VCV004075617.1).